The following is an entry in ClinVar:

ClinVar aggregate classification (germline): Uncertain significance. Review status: criteria provided, multiple submitters, no conflicts (2 of 4 stars). 2 submissions from 2 submitters: Uncertain significance (2). Last evaluated 2024-08-28.

Conditions:
NCF4-related disorder. Also called: NCF4-related condition.
Granulomatous disease, chronic, autosomal recessive, cytochrome b-positive, type 3. Also called: GRANULOMATOUS DISEASE, CHRONIC, DUE TO NCF4 DEFICIENCY; Granulomatous disease, chronic, autosomal recessive, cytochrome b-positive, type III; GRANULOMATOUS DISEASE, CHRONIC, AUTOSOMAL RECESSIVE, 3; CGD, AUTOSOMAL RECESSIVE CYTOCHROME b-POSITIVE, TYPE III. Identifiers: Orphanet 379, MedGen C3151409, MONDO:0013507, OMIM 613960.

gnomAD v4.1: 4 of 1,613,656 alleles (0.00025%); highest among the groups gnomAD compares: Admixed American, 0.0033%; no homozygotes.

Submissions (2):

Labcorp Genetics (formerly Invitae), Labcorp
Classification: Uncertain significance for Granulomatous disease, chronic, autosomal recessive, cytochrome b-positive, type 3. Last evaluated: 2024-08-28. Review status: criteria provided, single submitter. Criteria: Invitae Variant Classification Sherloc (09022015). Collection method: clinical testing. Allele origin: germline.
Comment: This sequence change replaces glycine, which is neutral and non-polar, with arginine, which is basic and polar, at codon 74 of the NCF4 protein (p.Gly74Arg). This variant is present in population databases (no rsID available, gnomAD 0.003%). This variant has not been reported in the literature in individuals affected with NCF4-related conditions. ClinVar contains an entry for this variant (Variation ID: 2636889). An algorithm developed to predict the effect of missense changes on protein structure and function (PolyPhen-2) suggests that this variant is likely to be disruptive. In summary, the available evidence is currently insufficient to determine the role of this variant in disease. Therefore, it has been classified as a Variant of Uncertain Significance.

PreventionGenetics, part of Exact Sciences
Classification: Uncertain significance for NCF4-related condition. Last evaluated: 2023-04-27. Review status: criteria provided, single submitter. Criteria: ACMG Guidelines, 2015. Collection method: clinical testing. Allele origin: germline.
Comment: The NCF4 c.220G>C variant is predicted to result in the amino acid substitution p.Gly74Arg. To our knowledge, this variant has not been reported in the literature. This variant is reported in 0.0058% of alleles in individuals of Latino descent in gnomAD. At this time, the clinical significance of this variant is uncertain due to the absence of conclusive functional and genetic evidence.

NM_000631.5(NCF4):c.220G>C (p.Gly74Arg)

Genes: NCF4 (neutrophil cytosolic factor 4; plus strand), NCF4-AS1 (NCF4 antisense RNA 1; minus strand). Cytogenetic location: 22q12.3.
Variant type: single nucleotide variant.
Coding change: c.220G>C on transcript NM_000631.5 (MANE Select); coding-DNA position 220, G replaced by C.
Protein change: p.Gly74Arg; replaces glycine 74 with arginine.
Molecular consequence: missense variant.
Genome position (GRCh38, 1-based): chr22:36,865,021, G>C. VCF-style: chr22-36865021-G-C. GRCh37 (hg19) VCF-style: chr22-37261063-G-C.
Other names: c.220G>C, p.Gly74Arg (NM_013416.4); short protein forms G74R.
Identifiers: ClinVar variation 2636889 (VCV002636889.3), dbSNP rs766377093, ClinGen allele CA323985750.